The following is an entry in ClinVar:

NM_000075.4(CDK4):c.514dup (p.Thr172fs)

Gene: CDK4 (cyclin dependent kinase 4; minus strand). Cytogenetic location: 12q14.1.
Variant type: Duplication.
Coding change: c.514dup on transcript NM_000075.4 (MANE Select); coding-DNA position 514, one base duplicated (A; older notation c.514dupA).
Protein change: p.Thr172fs; shifts the reading frame from threonine 172.
Molecular consequence: frameshift variant.
Genome position (GRCh38, 1-based): chr12:57,750,931, T duplicated on the plus strand (A on the coding strand, the reverse complement: CDK4 is on the minus strand). VCF-style (leftmost placement, unchanged base first): chr12-57750930-G-GT. GRCh37 (hg19) VCF-style: chr12-58144713-G-GT.
Other names: short protein forms T172fs.
Identifiers: ClinVar variation 4734936 (VCV004734936.1).
Genomic context (GRCh38, chr12:57,750,930, plus strand): 5'-ATCACTCTCCTACTCCCAACCAGAACCCATTTTGGTACCATCTTTCTACTGACCACGGGT[G>GT]TAAGTGCCATCTGGTAGCTGTAGATTCTGGCCAGGCCAAAGTCAGCCAGCTTGACTGTTC-3'

ClinVar aggregate classification (germline): Uncertain significance (1 of 4 stars; one submission).

Conditions:
Familial melanoma. Also called: Hereditary melanoma; Hereditary cutaneous melanoma. Identifiers: Orphanet 618, MedGen C1512419, MONDO:0018961.

Submission:

Labcorp Genetics (formerly Invitae), Labcorp
Classification: Uncertain significance for Familial melanoma. Last evaluated: 2026-01-08. Review status: criteria provided, single submitter. Criteria: Invitae Variant Classification Sherloc (09022015). Collection method: clinical testing. Allele origin: germline.
Comment: This sequence change creates a premature translational stop signal (p.Thr172Asnfs*48) in the CDK4 gene. It is expected to result in an absent or disrupted protein product. However, the current clinical and genetic evidence is not sufficient to establish whether loss-of-function variants in CDK4 cause disease. This variant is not present in population databases (gnomAD no frequency). This variant has not been reported in the literature in individuals affected with CDK4-related conditions. In summary, the available evidence is currently insufficient to determine the role of this variant in disease. Therefore, it has been classified as a Variant of Uncertain Significance.